The following is an entry in ClinVar:

ClinVar aggregate classification (somatic clinical impact): Tier II - Potential (1 of 4 stars; one submission).

Conditions:
Neuroblastoma (NB). Identifiers: Orphanet 635, MedGen C0027819, MeSH D009447, MONDO:0005072, HP:0003006.

Submission:

Institute for Genomic Medicine (IGM) Clinical Laboratory, Nationwide Children's Hospital
Classification: Tier II - Potential for Neuroblastoma. Assertion type: diagnostic. Clinical significance: supports diagnosis. Last evaluated: 2025-02-18. Review status: criteria provided, single submitter. Criteria: AMP/ASCO/CAP Guidelines, 2017. Collection method: clinical testing. Allele origin: somatic. Affected: yes.
Comment: Variant has Tier II (potential) clinical significance as a diagnostic inclusion criterion in neuroblastoma, based on the following evidence: 1) Appears in one or more well-established professional guidelines (e.g., World Health Organization [WHO]; National Comprehensive Cancer Network [NCCN]) as providing diagnostic, prognostic, or therapeutic information. 2) Information in the literature supports potential biologic effect of variant (PMIDs: 16249188, 23873030). 3) Diagnostic significance based on multiple small studies (Evidence Level C; PMIDs: 15516980, 16249188, 17637745, 23873030, 29098737, 33056981).

Literature cited by the submitters: PubMed 16249188; PubMed 23873030; PubMed 15516980; PubMed 17637745; PubMed 29098737; PubMed 33056981.

NM_003924.4(PHOX2B):c.936dup (p.Met313fs)

Gene: PHOX2B (paired like homeobox 2B; minus strand). Cytogenetic location: 4p13.
Variant type: Duplication.
Coding change: c.936dup on transcript NM_003924.4 (MANE Select); coding-DNA position 936, one base duplicated (T; older notation c.936dupT).
Protein change: p.Met313fs; shifts the reading frame from methionine 313.
Molecular consequence: frameshift variant.
Genome position (GRCh38, 1-based): chr4:41,745,816, A duplicated on the plus strand (T on the coding strand, the reverse complement: PHOX2B is on the minus strand). VCF-style (leftmost placement, unchanged base first): chr4-41745815-T-TA. GRCh37 (hg19) VCF-style: chr4-41747832-T-TA.
Other names: short protein forms M313fs.
Identifiers: ClinVar variation 4530361 (VCV004530361.1).